The following is an entry in ClinVar:

ClinVar aggregate classification (germline): Uncertain significance (1 of 4 stars; one submission).

Submission:

Labcorp Genetics (formerly Invitae), Labcorp
Classification: Uncertain significance. Last evaluated: 2024-10-23. Review status: criteria provided, single submitter. Criteria: Invitae Variant Classification Sherloc (09022015). Collection method: clinical testing. Allele origin: germline.
Comment: This sequence change replaces glutamic acid, which is acidic and polar, with aspartic acid, which is acidic and polar, at codon 347 of the AUTS2 protein (p.Glu347Asp). This variant is not present in population databases (gnomAD no frequency). This variant has not been reported in the literature in individuals affected with AUTS2-related conditions. An algorithm developed to predict the effect of missense changes on protein structure and function (PolyPhen-2) suggests that this variant is likely to be tolerated. In summary, the available evidence is currently insufficient to determine the role of this variant in disease. Therefore, it has been classified as a Variant of Uncertain Significance.

NM_015570.4(AUTS2):c.1041G>T (p.Glu347Asp)

Gene: AUTS2 (activator of transcription and developmental regulator AUTS2; plus strand). Cytogenetic location: 7q11.22.
Variant type: single nucleotide variant.
Coding change: c.1041G>T on transcript NM_015570.4 (MANE Select); coding-DNA position 1041, G replaced by T.
Protein change: p.Glu347Asp; replaces glutamic acid 347 with aspartic acid.
Molecular consequence: missense variant.
Genome position (GRCh38, 1-based): chr7:70,763,168, G>T. VCF-style: chr7-70763168-G-T. GRCh37 (hg19) VCF-style: chr7-70228154-G-T.
Other names: c.1041G>T, p.Glu347Asp (NM_001127231.3); short protein forms E347D.
Identifiers: ClinVar variation 2762846 (VCV002762846.3), dbSNP rs151096425, ClinGen allele CA367667716.